The following is an entry in ClinVar:

NM_022080.3(NAPB):c.260A>G (p.Asp87Gly)

Gene: NAPB (NSF attachment protein beta; minus strand). Cytogenetic location: 20p11.21.
Variant type: single nucleotide variant.
Coding change: c.260A>G on transcript NM_022080.3 (MANE Select); coding-DNA position 260, A replaced by G.
Protein change: p.Asp87Gly; replaces aspartic acid 87 with glycine.
Molecular consequence: missense variant. On other transcripts: non-coding transcript variant (1), intron variant (1).
Genome position (GRCh38, 1-based): chr20:23,397,107, T>C on the plus strand (A>G on the coding strand, the complement: NAPB is on the minus strand). VCF-style: chr20-23397107-T-C. GRCh37 (hg19) VCF-style: chr20-23377744-T-C.
Other names: c.272A>G, p.Asp91Gly (NM_001283018.2); c.25A>G, p.Met9Val (NM_001283026.2); c.179-1922A>G (NM_001283020.2); short protein forms D87G, D91G, M9V.
Identifiers: ClinVar variation 3370635 (VCV003370635.2).

ClinVar aggregate classification (germline): Uncertain significance (1 of 4 stars; one submission).

gnomAD v4.1: 2 of 1,613,652 alleles (0.00012%); highest among the groups gnomAD compares: Admixed American, 0.0017%; no homozygotes.

Submission:

GeneDx
Classification: Uncertain significance. Last evaluated: 2024-12-17. Review status: criteria provided, single submitter. Criteria: GeneDx Variant Classification Process June 2021. Collection method: clinical testing. Allele origin: germline. Affected: yes.
Comment: Not observed at significant frequency in large population cohorts (gnomAD); In silico analysis supports that this missense variant has a deleterious effect on protein structure/function; Has not been previously published as pathogenic or benign to our knowledge